The following is an entry in ClinVar:

NM_014845.6(FIG4):c.*14C>T

Gene: FIG4 (FIG4 phosphoinositide 5-phosphatase; plus strand). Cytogenetic location: 6q21.
Variant type: single nucleotide variant.
Coding change: c.*14C>T on transcript NM_014845.6 (MANE Select); 14 bases downstream of the stop codon, C replaced by T.
Molecular consequence: 3 prime UTR variant.
Genome position (GRCh38, 1-based): chr6:109,825,279, C>T. VCF-style: chr6-109825279-C-T. GRCh37 (hg19) VCF-style: chr6-110146482-C-T.
Identifiers: ClinVar variation 260444 (VCV000260444.17), dbSNP rs114136062, ClinGen allele CA3956499.

ClinVar aggregate classification (germline): Benign/Likely benign. Review status: criteria provided, multiple submitters, no conflicts (2 of 4 stars). 6 submissions from 5 submitters: Benign (4); Likely benign (2). Last evaluated 2019-12-18.

Conditions:
Charcot-Marie-Tooth disease. Also called: Charcot-Marie-Tooth Neuropathy; Charcot-Marie-Tooth Hereditary Neuropathy. Identifiers: Orphanet 166, MedGen C0007959, MONDO:0015626.
Charcot-Marie-Tooth disease type 4J (CMT4J). Also called: Charcot-Marie-Tooth Neuropathy Type 4J; CHARCOT-MARIE-TOOTH DISEASE, AUTOSOMAL RECESSIVE, TYPE 4J; CHARCOT-MARIE-TOOTH DISEASE, DEMYELINATING, TYPE 4J. Identifiers: Orphanet 139515, MedGen C1970011, MONDO:0012640, OMIM 611228.
Amyotrophic lateral sclerosis type 11 (ALS11). Identifiers: Orphanet 803, MedGen C2675491, MONDO:0012945, OMIM 612577.

Allele frequency attached by ClinVar (database versions not stated): TOPMed 0.00426; ESP Exome Variant Server 0.00484; ExAC 0.00132; gnomAD 0.00383 and 0.00408; 1000 Genomes Project 30x 0.00500; gnomAD exomes 0.00033 and 0.00105; 1000 Genomes Project 0.00439.
gnomAD v4.1: 1,077 of 1,610,592 alleles (0.067%); highest among the groups gnomAD compares: African/African-American, 1.3%; 5 homozygotes.

Submissions (6):

ARUP Laboratories, Molecular Genetics and Genomics, ARUP Laboratories
Classification: Benign. Last evaluated: 2019-12-18. Review status: criteria provided, single submitter. Criteria: ARUP Molecular Germline Variant Investigation Process. Collection method: clinical testing. Allele origin: germline.

GeneDx
Classification: Likely benign. Last evaluated: 2018-03-16. Review status: criteria provided, single submitter. Criteria: GeneDx Variant Classification Process June 2021. Collection method: clinical testing. Allele origin: germline. Affected: yes.

Illumina Laboratory Services, Illumina
Classification: Benign for Charcot-Marie-Tooth disease type 4J. Last evaluated: 2018-01-13. Review status: criteria provided, single submitter. Criteria: ICSL Variant Classification Criteria 13 December 2019. Collection method: clinical testing. Allele origin: germline.
Comment: This variant was observed in the ICSL laboratory as part of a predisposition screen in an ostensibly healthy population. It had not been previously curated by ICSL or reported in the Human Gene Mutation Database (HGMD: prior to June 1st, 2018), and was therefore a candidate for classification through an automated scoring system. Utilizing variant allele frequency, disease prevalence and penetrance estimates, and inheritance mode, an automated score was calculated to assess if this variant is too frequent to cause the disease. Based on the score and internal cut-off values, a variant classified as benign is not then subjected to further curation. The score for this variant resulted in a classification of benign for this disease.

Illumina Laboratory Services, Illumina
Classification: Benign for Amyotrophic lateral sclerosis type 11. Last evaluated: 2018-01-13. Review status: criteria provided, single submitter. Criteria: ICSL Variant Classification Criteria 13 December 2019. Collection method: clinical testing. Allele origin: germline.
Comment: the same text as in the submission from Illumina Laboratory Services, Illumina above.

Molecular Genetics Laboratory, London Health Sciences Centre
Classification: Likely benign for Charcot-Marie-Tooth disease. Review status: criteria provided, single submitter. Criteria: ACMG Guidelines, 2015. Collection method: clinical testing. Allele origin: germline. Affected: yes.

PreventionGenetics, part of Exact Sciences
Classification: Benign. Review status: criteria provided, single submitter. Criteria: ACMG Guidelines, 2015. Collection method: clinical testing. Allele origin: germline.